The following is an entry in ClinVar:

ClinVar aggregate classification (germline): Conflicting classifications of pathogenicity. Review status: criteria provided, conflicting classifications (1 of 4 stars). 3 submissions from 3 submitters: Uncertain significance (2); Likely benign (1). Last evaluated 2026-01-15.

Conditions:
COL2A1-related disorder. Also called: COL2A1-related condition; COL2A1-related disorders.

Allele frequency attached by ClinVar (database versions not stated): gnomAD exomes 0.00001 and 0.00003; TOPMed 0.00003; ExAC 0.00004; gnomAD 0.00001.
gnomAD v4.1: 12 of 1,614,114 alleles (0.00074%); highest among the groups gnomAD compares: Admixed American, 0.0083%; no homozygotes.

Submissions (3):

Labcorp Genetics (formerly Invitae), Labcorp
Classification: Likely benign. Last evaluated: 2026-01-15. Review status: criteria provided, single submitter. Criteria: Invitae Variant Classification Sherloc (09022015). Collection method: clinical testing. Allele origin: germline.

GeneDx
Classification: Uncertain significance. Last evaluated: 2025-07-02. Review status: criteria provided, single submitter. Criteria: GeneDx Variant Classification Process June 2021. Collection method: clinical testing. Allele origin: germline. Affected: yes.
Comment: Not located in the triple helical region, where the majority of pathogenic missense variants occur (HGMD); In silico analysis supports that this missense variant has a deleterious effect on protein structure/function; Has not been previously published as pathogenic or benign in association with a COL2A1-related disorder to our knowledge; This variant is associated with the following publications: (PMID: 37079061)

PreventionGenetics, part of Exact Sciences
Classification: Uncertain significance for COL2A1-related condition. Last evaluated: 2025-01-21. Review status: criteria provided, single submitter. Criteria: ACMG Guidelines, 2015. Collection method: clinical testing. Allele origin: germline.
Comment: The COL2A1 c.4102C>T variant is predicted to result in the amino acid substitution p.Pro1368Ser. This variant was reported in an individual with joint hypermobility (Supplementary file 3 in Leone et al. 2023. PubMed ID: 37079061). This variant is reported in 0.012% of alleles in individuals of Latino descent in gnomAD, which is more frequent than expected for a disease-causing variant in COL2A1. Although we suspect that this variant may be benign, at this time, the clinical significance of this variant is uncertain due to the absence of conclusive functional and genetic evidence.

NM_001844.5(COL2A1):c.4102C>T (p.Pro1368Ser)

Gene: COL2A1 (collagen type II alpha 1 chain; minus strand). Cytogenetic location: 12q13.11.
Variant type: single nucleotide variant.
Coding change: c.4102C>T on transcript NM_001844.5 (MANE Select); coding-DNA position 4102, C replaced by T.
Protein change: p.Pro1368Ser; replaces proline 1368 with serine.
Molecular consequence: missense variant.
Genome position (GRCh38, 1-based): chr12:47,974,304, G>A on the plus strand (C>T on the coding strand, the complement: COL2A1 is on the minus strand). VCF-style: chr12-47974304-G-A. GRCh37 (hg19) VCF-style: chr12-48368087-G-A.
Other names: c.3895C>T, p.Pro1299Ser (NM_033150.3); c.4102C>T (NM_001844.4); short protein forms P1368S, P1299S.
Identifiers: ClinVar variation 1034846 (VCV001034846.10), dbSNP rs775650170, ClinGen allele CA6534536.